The following is an entry in ClinVar:

NM_197968.4(ZMYM2):c.371A>T (p.Asp124Val)

Gene: ZMYM2 (zinc finger MYM-type containing 2; plus strand). Cytogenetic location: 13q12.11.
Variant type: single nucleotide variant.
Coding change: c.371A>T on transcript NM_197968.4 (MANE Select); coding-DNA position 371, A replaced by T.
Protein change: p.Asp124Val; replaces aspartic acid 124 with valine.
Molecular consequence: missense variant. On other transcripts: non-coding transcript variant (1).
Genome position (GRCh38, 1-based): chr13:19,993,443, A>T. VCF-style: chr13-19993443-A-T. GRCh37 (hg19) VCF-style: chr13-20567583-A-T.
Other names: c.371A>T, p.Asp124Val (NM_001190964.4, NM_001190965.4, NM_001353157.2 and 6 more transcripts); c.437A>T, p.Asp146Val (NM_001353161.3); short protein forms D124V, D146V.
Identifiers: ClinVar variation 2497781 (VCV002497781.1), dbSNP rs2501895195, ClinGen allele CA387666434.
Genomic context (GRCh38, chr13:19,993,443, plus strand): 5'-AAGAGTTGGCATCTCAGAAGGGAAGTGTAAGTGAGACAATTGTCATTGATGATGAAGAGG[A>T]CATGGAAACAAATCAAGGGCAAGAGAAAAATTCCTCCAATTTTATTGAACGAAGACCTCC-3'
Protein context (NP_932072.1, residues 114-134): SETIVIDDEE[Asp124Val]METNQGQEKN

ClinVar aggregate classification (germline): Uncertain significance (1 of 4 stars; one submission).

Submission:

GeneDx
Classification: Uncertain significance. Last evaluated: 2022-10-06. Review status: criteria provided, single submitter. Criteria: GeneDx Variant Classification Process June 2021. Collection method: clinical testing. Allele origin: germline. Affected: yes.
Comment: Not observed at significant frequency in large population cohorts (gnomAD); In silico analysis supports that this missense variant has a deleterious effect on protein structure/function; Has not been previously published as pathogenic or benign to our knowledge